The following is an entry in ClinVar:

ClinVar aggregate classification (germline): Uncertain significance (1 of 4 stars; one submission).

Conditions:
Hereditary cancer-predisposing syndrome. Also called: Hereditary neoplastic syndrome; Neoplastic Syndromes, Hereditary; Tumor predisposition; Hereditary Cancer Syndrome. Identifiers: Orphanet 140162, MedGen C0027672, MeSH D009386, MONDO:0015356.

Allele frequency attached by ClinVar (database versions not stated): gnomAD exomes below 0.00001.
gnomAD v4.1: 1 of 1,613,722 alleles (0.000062%); highest among the groups gnomAD compares: South Asian, 0.0011%; no homozygotes.

Submission:

Labcorp Genetics (formerly Invitae), Labcorp
Classification: Uncertain significance for Hereditary cancer-predisposing syndrome. Last evaluated: 2022-02-09. Review status: criteria provided, single submitter. Criteria: Invitae Variant Classification Sherloc (09022015). Collection method: clinical testing. Allele origin: germline.
Comment: In summary, the available evidence is currently insufficient to determine the role of this variant in disease. Therefore, it has been classified as a Variant of Uncertain Significance. Algorithms developed to predict the effect of missense changes on protein structure and function are either unavailable or do not agree on the potential impact of this missense change (SIFT: "Tolerated"; PolyPhen-2: "Probably Damaging"; Align-GVGD: "Class C0"). This variant has not been reported in the literature in individuals affected with RAD50-related conditions. This variant is present in population databases (no rsID available, gnomAD 0.003%). This sequence change replaces leucine, which is neutral and non-polar, with valine, which is neutral and non-polar, at codon 1307 of the RAD50 protein (p.Leu1307Val).

NM_005732.4(RAD50):c.3919C>G (p.Leu1307Val)

Genes: TH2LCRR (T helper type 2 locus control region associated RNA; minus strand), RAD50 (RAD50 double strand break repair protein; plus strand). Cytogenetic location: 5q31.1.
Variant type: single nucleotide variant.
Coding change: c.3919C>G on transcript NM_005732.4 (MANE Select); coding-DNA position 3919, C replaced by G.
Protein change: p.Leu1307Val; replaces leucine 1307 with valine.
Molecular consequence: missense variant.
Genome position (GRCh38, 1-based): chr5:132,642,344, C>G. VCF-style: chr5-132642344-C-G. GRCh37 (hg19) VCF-style: chr5-131978036-C-G.
Other names: short protein forms L1307V.
Identifiers: ClinVar variation 2095683 (VCV002095683.4), dbSNP rs1251940969, ClinGen allele CA360937644.